The following is an entry in ClinVar:

NM_005506.4(SCARB2):c.889G>C (p.Val297Leu)

Gene: SCARB2 (scavenger receptor class B member 2; minus strand). Cytogenetic location: 4q21.1.
Variant type: single nucleotide variant.
Coding change: c.889G>C on transcript NM_005506.4 (MANE Select); coding-DNA position 889, G replaced by C.
Protein change: p.Val297Leu; replaces valine 297 with leucine.
Molecular consequence: missense variant.
Genome position (GRCh38, 1-based): chr4:76,174,249, C>G on the plus strand (G>C on the coding strand, the complement: SCARB2 is on the minus strand). VCF-style: chr4-76174249-C-G. GRCh37 (hg19) VCF-style: chr4-77095402-C-G.
Other names: c.460G>C, p.Val154Leu (NM_001204255.2); short protein forms V154L, V297L.
Identifiers: ClinVar variation 2012446 (VCV002012446.4), dbSNP rs2476239461, ClinGen allele CA357315899.
Genomic context (GRCh38, chr4:76,174,249, plus strand): 5'-TTCCCTCAGGTATACAGAAGCCGGCATTGTCTGACGTATTGGCTAATATTTCTGCAGGAA[C>G]TTTATACCGAAAGGCAGGCAGTCCCTGTACACTCTCATAGTCACTGAAAGTAATATACAC-3'
Protein context (NP_005497.1, residues 287-307): VQGLPAFRYK[Val297Leu]PAEILANTSD

ClinVar aggregate classification (germline): Uncertain significance (1 of 4 stars; one submission).

Conditions:
Progressive myoclonic epilepsy. Also called: Familial progressive myoclonic epilepsy; Myoclonic Epilepsies, Progressive; Myoclonus epilepsy; Progressive myoclonus epilepsy. Identifiers: Orphanet 308, Orphanet 98261, MedGen C0751778, MONDO:0020074.

Submission:

Labcorp Genetics (formerly Invitae), Labcorp
Classification: Uncertain significance for Progressive myoclonic epilepsy. Last evaluated: 2022-06-30. Review status: criteria provided, single submitter. Criteria: Invitae Variant Classification Sherloc (09022015). Collection method: clinical testing. Allele origin: germline.
Comment: In summary, the available evidence is currently insufficient to determine the role of this variant in disease. Therefore, it has been classified as a Variant of Uncertain Significance. Algorithms developed to predict the effect of missense changes on protein structure and function output the following: SIFT: "Tolerated"; PolyPhen-2: "Benign"; Align-GVGD: "Class C0". The leucine amino acid residue is found in multiple mammalian species, which suggests that this missense change does not adversely affect protein function. This variant has not been reported in the literature in individuals affected with SCARB2-related conditions. This variant is not present in population databases (gnomAD no frequency). This sequence change replaces valine, which is neutral and non-polar, with leucine, which is neutral and non-polar, at codon 297 of the SCARB2 protein (p.Val297Leu).